The following is an entry in ClinVar:

ClinVar aggregate classification (germline): Uncertain significance (1 of 4 stars; one submission).

Allele frequency attached by ClinVar (database versions not stated): gnomAD exomes below 0.00001; TOPMed below 0.00001.
gnomAD v4.1: 6 of 1,613,644 alleles (0.00037%); highest among the groups gnomAD compares: Admixed American, 0.0017%; no homozygotes.

Submission:

Labcorp Genetics (formerly Invitae), Labcorp
Classification: Uncertain significance. Last evaluated: 2025-09-14. Review status: criteria provided, single submitter. Criteria: Invitae Variant Classification Sherloc (09022015). Collection method: clinical testing. Allele origin: germline.
Comment: This sequence change replaces histidine, which is basic and polar, with arginine, which is basic and polar, at codon 885 of the LRP5 protein (p.His885Arg). This variant is not present in population databases (gnomAD no frequency). This variant has not been reported in the literature in individuals affected with LRP5-related conditions. ClinVar contains an entry for this variant (Variation ID: 1521808). Invitae Evidence Modeling of protein sequence and biophysical properties (such as structural, functional, and spatial information, amino acid conservation, physicochemical variation, residue mobility, and thermodynamic stability) indicates that this missense variant is not expected to disrupt LRP5 protein function with a negative predictive value of 95%. In summary, the available evidence is currently insufficient to determine the role of this variant in disease. Therefore, it has been classified as a Variant of Uncertain Significance.

NM_002335.4(LRP5):c.2654A>G (p.His885Arg)

Gene: LRP5 (LDL receptor related protein 5; plus strand). Cytogenetic location: 11q13.2.
Variant type: single nucleotide variant.
Coding change: c.2654A>G on transcript NM_002335.4 (MANE Select); coding-DNA position 2654, A replaced by G.
Protein change: p.His885Arg; replaces histidine 885 with arginine.
Molecular consequence: missense variant.
Genome position (GRCh38, 1-based): chr11:68,413,839, A>G. VCF-style: chr11-68413839-A-G. GRCh37 (hg19) VCF-style: chr11-68181307-A-G.
Other names: c.911A>G, p.His304Arg (NM_001291902.2); short protein forms H885R, H304R.
Identifiers: ClinVar variation 1521808 (VCV001521808.6), dbSNP rs2098660970, ClinGen allele CA381618657.